The following is an entry in ClinVar:

NM_001903.5(CTNNA1):c.-3+2T>G

Genes: CTNNA1 (catenin alpha 1; plus strand), CTNNA1-AS1 (CTNNA1 antisense RNA 1; minus strand). Cytogenetic location: 5q31.2.
Variant type: single nucleotide variant.
Coding change: c.-3+2T>G on transcript NM_001903.5 (MANE Select); the canonical splice donor site of the intron after 3 bases upstream of the start codon, T replaced by G.
Molecular consequence: splice donor variant.
Genome position (GRCh38, 1-based): chr5:138,753,512, T>G. VCF-style: chr5-138753512-T-G. GRCh37 (hg19) VCF-style: chr5-138089201-T-G.
Other names: c.-473+2T>G (NM_001323982.2); c.-21+2T>G (NM_001323984.2); c.-3+2T>G (NM_001290307.3, NM_001323985.2, NM_001323986.2); c.-209+2T>G (NM_001290310.3); c.-116+2T>G (NM_001290309.3).
Identifiers: ClinVar variation 4635550 (VCV004635550.1).

ClinVar aggregate classification (germline): Uncertain significance (1 of 4 stars; one submission).

Conditions:
Hereditary cancer-predisposing syndrome. Also called: Neoplastic Syndromes, Hereditary; Tumor predisposition; Hereditary Cancer Syndrome; Hereditary neoplastic syndrome. Identifiers: Orphanet 140162, MedGen C0027672, MeSH D009386, MONDO:0015356.

Submission:

Ambry Genetics
Classification: Uncertain significance for Hereditary cancer-predisposing syndrome. Last evaluated: 2025-11-25. Review status: criteria provided, single submitter. Criteria: Ambry Variant Classification Scheme 2023. Collection method: clinical testing. Allele origin: germline.
Comment: The c.-3+2T>G intronic variant is located in the 5' untranslated region (5&rsquo; UTR) of the CTNNA1 gene. This intronic variant results from a T to G substitution two nucleotides after the first translated codon. This nucleotide position is well conserved in available vertebrate species. In silico splice site analysis predicts that this alteration will weaken the native splice donor site. Based on the available evidence, the clinical significance of this variant remains unclear.